The following is an entry in ClinVar:

ClinVar aggregate classification (germline): Likely benign (0 of 4 stars; one submission).

Conditions:
SOS2-related disorder. Also called: SOS2-related condition.

Submission:

PreventionGenetics, part of Exact Sciences
Classification: Likely benign for SOS2-related condition. Last evaluated: 2021-07-12. Review status: no assertion criteria provided. Collection method: clinical testing. Allele origin: germline.
Comment: This variant is classified as likely benign based on ACMG/AMP sequence variant interpretation guidelines (Richards et al. 2015 PMID: 25741868, with internal and published modifications).

NM_006939.4(SOS2):c.-6G>C

Genes: SOS2 (SOS Ras/Rho guanine nucleotide exchange factor 2; minus strand), LOC130055588 (ATAC-STARR-seq lymphoblastoid silent region 5718; plus strand). Cytogenetic location: 14q21.3.
Variant type: single nucleotide variant.
Coding change: c.-6G>C on transcript NM_006939.4 (MANE Select); 6 bases upstream of the start codon, G replaced by C.
Molecular consequence: 5 prime UTR variant.
Genome position (GRCh38, 1-based): chr14:50,231,289, C>G on the plus strand (G>C on the coding strand, the complement: SOS2 is on the minus strand). VCF-style: chr14-50231289-C-G. GRCh37 (hg19) VCF-style: chr14-50698007-C-G.
Other names: c.-6G>C (NM_001411020.1).
Identifiers: ClinVar variation 3061470 (VCV003061470.2), dbSNP rs1418530489, ClinGen allele CA2624774621.